The following is an entry in ClinVar:

ClinVar aggregate classification (germline): Uncertain significance (1 of 4 stars; one submission).

Conditions:
Holocarboxylase synthetase deficiency. Also called: MULTIPLE CARBOXYLASE DEFICIENCY, EARLY ONSET. Identifiers: Orphanet 79242, MedGen C0268581, MONDO:0009666, OMIM 253270.

gnomAD v4.1: 3 of 1,613,390 alleles (0.00019%); highest among the groups gnomAD compares: Non-Finnish European, 0.00025%; no homozygotes.

Submission:

Labcorp Genetics (formerly Invitae), Labcorp
Classification: Uncertain significance for Holocarboxylase synthetase deficiency. Last evaluated: 2024-02-24. Review status: criteria provided, single submitter. Criteria: Invitae Variant Classification Sherloc (09022015). Collection method: clinical testing. Allele origin: germline.
Comment: This sequence change replaces alanine, which is neutral and non-polar, with serine, which is neutral and polar, at codon 679 of the HLCS protein (p.Ala679Ser). This variant is not present in population databases (gnomAD no frequency). This variant has not been reported in the literature in individuals affected with HLCS-related conditions. ClinVar contains an entry for this variant (Variation ID: 1439070). Advanced modeling of protein sequence and biophysical properties (such as structural, functional, and spatial information, amino acid conservation, physicochemical variation, residue mobility, and thermodynamic stability) performed at Invitae indicates that this missense variant is not expected to disrupt HLCS protein function with a negative predictive value of 80%. In summary, the available evidence is currently insufficient to determine the role of this variant in disease. Therefore, it has been classified as a Variant of Uncertain Significance.

NM_001352514.2(HLCS):c.2476G>T (p.Ala826Ser)

Gene: HLCS (holocarboxylase synthetase; minus strand). Cytogenetic location: 21q22.13.
Variant type: single nucleotide variant.
Coding change: c.2476G>T on transcript NM_001352514.2 (MANE Select); coding-DNA position 2476, G replaced by T.
Protein change: p.Ala826Ser; replaces alanine 826 with serine.
Molecular consequence: missense variant. On other transcripts: non-coding transcript variant (2).
Genome position (GRCh38, 1-based): chr21:36,754,392, C>A on the plus strand (G>T on the coding strand, the complement: HLCS is on the minus strand). VCF-style: chr21-36754392-C-A. GRCh37 (hg19) VCF-style: chr21-38126693-C-A.
Other names: c.2035G>T, p.Ala679Ser (NM_000411.8, NM_001242784.3, NM_001242785.2 and 4 more transcripts); short protein forms A826S, A679S.
Identifiers: ClinVar variation 1439070 (VCV001439070.5), dbSNP rs376898721, ClinGen allele CA409918315.
Genomic context (GRCh38, chr21:36,754,392, plus strand): 5'-GGTGAACCTGGAGGAAGCCAGAATCGTCCAGGCCAACGATGGACACCTTTGGTCCCTCTG[C>A]GCTGCCCAGATGGACTTGCTGACCACTGAAAAGGAAGAACAGCGTGCGGTCACTGGGAGG-3'
Protein context (NP_001339443.1, residues 816-836): HSGQQVHLGS[Ala826Ser]EGPKVSIVGL